The following is an entry in ClinVar:

ClinVar aggregate classification (germline): Likely benign. Review status: criteria provided, multiple submitters, no conflicts (2 of 4 stars). 3 submissions from 3 submitters: Likely benign (3). Last evaluated 2024-06-17.

Conditions:
Hereditary cancer-predisposing syndrome. Also called: Tumor predisposition; Neoplastic Syndromes, Hereditary; Hereditary Cancer Syndrome; Hereditary neoplastic syndrome. Identifiers: Orphanet 140162, MedGen C0027672, MeSH D009386, MONDO:0015356.
Familial cancer of breast. Also called: BREAST CANCER, FAMILIAL; hereditary breast carcinoma; Hereditary breast cancer. Identifiers: Orphanet 227535, MedGen C0346153, MONDO:0016419, OMIM 114480. Disease mechanism: loss of function.
Fanconi anemia complementation group J. Also called: BRIP1-Related Fanconi Anemia. Identifiers: Orphanet 84, MedGen C1836860, MONDO:0012187, OMIM 609054.

Allele frequency attached by ClinVar (database versions not stated): gnomAD exomes below 0.00001.
gnomAD v4.1: 1 of 1,597,286 alleles (0.000063%); highest among the groups gnomAD compares: Non-Finnish European, 0.000086%; no homozygotes.

Submissions (3):

Labcorp Genetics (formerly Invitae), Labcorp
Classification: Likely benign for Familial cancer of breast; Fanconi anemia complementation group J. Last evaluated: 2024-06-17. Review status: criteria provided, single submitter. Criteria: Invitae Variant Classification Sherloc (09022015). Collection method: clinical testing. Allele origin: germline.

Color Diagnostics, LLC DBA Color Health
Classification: Likely benign for Hereditary cancer-predisposing syndrome. Last evaluated: 2017-08-14. Review status: criteria provided, single submitter. Criteria: ACMG Guidelines, 2015. Collection method: clinical testing. Allele origin: germline.

GeneDx
Classification: Likely benign. Last evaluated: 2017-01-09. Review status: criteria provided, single submitter. Criteria: GeneDx Variant Classification (06012015). Collection method: clinical testing. Allele origin: germline. Affected: yes.
Comment: This variant is considered likely benign or benign based on one or more of the following criteria: it is a conservative change, it occurs at a poorly conserved position in the protein, it is predicted to be benign by multiple in silico algorithms, and/or has population frequency not consistent with disease.

NM_032043.3(BRIP1):c.1795-18A>G

Gene: BRIP1 (BRCA1 interacting DNA helicase 1; minus strand). Cytogenetic location: 17q23.2.
Variant type: single nucleotide variant.
Coding change: c.1795-18A>G on transcript NM_032043.3 (MANE Select); 18 bases into the intron before coding-DNA position 1795, A replaced by G.
Molecular consequence: intron variant.
Genome position (GRCh38, 1-based): chr17:61,780,419, T>C on the plus strand (A>G on the coding strand, the complement: BRIP1 is on the minus strand). VCF-style: chr17-61780419-T-C. GRCh37 (hg19) VCF-style: chr17-59857780-T-C.
Identifiers: ClinVar variation 392915 (VCV000392915.5), dbSNP rs1057524698, ClinGen allele CA16607751.